The following is an entry in ClinVar:

ClinVar aggregate classification (germline): Pathogenic (1 of 4 stars; one submission).

Conditions:
Thrombophilia due to protein S deficiency, autosomal recessive (THPH6). Identifiers: Orphanet 743, MedGen C3281092, MONDO:0013791, OMIM 614514. Disease mechanism: loss of function.

Submission:

Labcorp Genetics (formerly Invitae), Labcorp
Classification: Pathogenic for Thrombophilia due to protein S deficiency, autosomal recessive. Last evaluated: 2023-11-19. Review status: criteria provided, single submitter. Criteria: Invitae Variant Classification Sherloc (09022015). Collection method: clinical testing. Allele origin: unknown.
Comment: This variant is a gross deletion of the genomic region encompassing exon(s) 14 of the PROS1 gene. While this deletion is not anticipated to lead to nonsense mediated decay, it is expected to disrupt the C-terminus of the protein. This variant has not been reported in the literature in individuals affected with PROS1-related conditions. This variant disrupts a region of the PROS1 protein in which other variant(s) (p.Pro667Leu) have been determined to be pathogenic (PMID: 10790208, 20181378, 29748776, 30669159; Invitae). This suggests that this is a clinically significant region of the protein, and that variants that disrupt it are likely to be disease-causing. For these reasons, this variant has been classified as Pathogenic.

Literature cited by the submitters: PubMed 10790208; PubMed 20181378; PubMed 29748776; PubMed 30669159.

NC_000003.11:g.(?_93595790)_(93596055_?)del

Gene: PROS1 (protein S; minus strand). Cytogenetic location: 3q11.1.
Variant type: Deletion.
Identifiers: ClinVar variation 3246923 (VCV003246923.1).